The following is an entry in ClinVar:

ClinVar aggregate classification (germline): Uncertain significance (1 of 4 stars; one submission).

Submission:

GeneDx
Classification: Uncertain significance. Last evaluated: 2025-02-19. Review status: criteria provided, single submitter. Criteria: GeneDx Variant Classification Process June 2021. Collection method: clinical testing. Allele origin: germline. Affected: yes.
Comment: Not observed at significant frequency in large population cohorts (gnomAD); In silico analysis indicates that this variant does not alter splicing; Has not been previously published as pathogenic or benign to our knowledge

NM_001844.5(COL2A1):c.2586C>G (p.Ala862=)

Gene: COL2A1 (collagen type II alpha 1 chain; minus strand). Cytogenetic location: 12q13.11.
Variant type: single nucleotide variant.
Coding change: c.2586C>G on transcript NM_001844.5 (MANE Select); coding-DNA position 2586, C replaced by G.
Protein change: p.Ala862=; no amino-acid change (alanine 862 retained).
Molecular consequence: synonymous variant.
Genome position (GRCh38, 1-based): chr12:47,980,593, G>C on the plus strand (C>G on the coding strand, the complement: COL2A1 is on the minus strand). VCF-style: chr12-47980593-G-C. GRCh37 (hg19) VCF-style: chr12-48374376-G-C.
Other names: c.2379C>G, p.Ala793= (NM_033150.3).
Identifiers: ClinVar variation 4076651 (VCV004076651.1).
Genomic context (GRCh38, chr12:47,980,593, plus strand): 5'-TTGGAGTGCAGCGTTACCCACCTGAGGCCCAGGTGCTCCAGAGGGGCCCTGAGGACCAGG[G>C]GCACCAGCATCGCCTTTCTGGCCGGCCTCTCCTTGCTCACCCTTGGCCCCAGGCTGGCCA-3'
Protein context (NP_001835.3, residues 852-872): GEAGQKGDAG[Ala862=]PGPQGPSGAP